The following is an entry in ClinVar:

ClinVar aggregate classification (germline): Uncertain significance (1 of 4 stars; one submission).

Conditions:
Bloom syndrome (BLM). Also called: Bloom-Torre-Machacek syndrome. Identifiers: Orphanet 125, MedGen C0005859, MONDO:0008876, OMIM 210900.

Submission:

Labcorp Genetics (formerly Invitae), Labcorp
Classification: Uncertain significance for Bloom syndrome. Last evaluated: 2024-11-07. Review status: criteria provided, single submitter. Criteria: Invitae Variant Classification Sherloc (09022015). Collection method: clinical testing. Allele origin: germline.
Comment: This sequence change replaces isoleucine, which is neutral and non-polar, with serine, which is neutral and polar, at codon 587 of the BLM protein (p.Ile587Ser). This variant is not present in population databases (gnomAD no frequency). This variant has not been reported in the literature in individuals affected with BLM-related conditions. Invitae Evidence Modeling of protein sequence and biophysical properties (such as structural, functional, and spatial information, amino acid conservation, physicochemical variation, residue mobility, and thermodynamic stability) indicates that this missense variant is not expected to disrupt BLM protein function with a negative predictive value of 80%. In summary, the available evidence is currently insufficient to determine the role of this variant in disease. Therefore, it has been classified as a Variant of Uncertain Significance.

NM_000057.4(BLM):c.1760T>G (p.Ile587Ser)

Gene: BLM (BLM RecQ like helicase; plus strand). Cytogenetic location: 15q26.1.
Variant type: single nucleotide variant.
Coding change: c.1760T>G on transcript NM_000057.4 (MANE Select); coding-DNA position 1760, T replaced by G.
Protein change: p.Ile587Ser; replaces isoleucine 587 with serine.
Molecular consequence: missense variant.
Genome position (GRCh38, 1-based): chr15:90,761,133, T>G. VCF-style: chr15-90761133-T-G. GRCh37 (hg19) VCF-style: chr15-91304363-T-G.
Other names: c.1760T>G, p.Ile587Ser (NM_001287246.2, NM_001287247.2); c.635T>G, p.Ile212Ser (NM_001287248.2); short protein forms I212S, I587S.
Identifiers: ClinVar variation 3719839 (VCV003719839.2).